The following is an entry in ClinVar:

ClinVar aggregate classification (germline): Uncertain significance (1 of 4 stars; one submission).

gnomAD v4.1: 2 of 1,530,286 alleles (0.00013%); highest among the groups gnomAD compares: Non-Finnish European, 0.00018%; no homozygotes.

Submission:

Labcorp Genetics (formerly Invitae), Labcorp
Classification: Uncertain significance. Last evaluated: 2025-03-10. Review status: criteria provided, single submitter. Criteria: Invitae Variant Classification Sherloc (09022015). Collection method: clinical testing. Allele origin: germline.
Comment: This sequence change creates a premature translational stop signal (p.Gln14*) in the IRF2BP2 gene. It is expected to result in an absent or disrupted protein product. However, the current clinical and genetic evidence is not sufficient to establish whether loss-of-function variants in IRF2BP2 cause disease. This variant is not present in population databases (gnomAD no frequency). This variant has not been reported in the literature in individuals affected with IRF2BP2-related conditions. In summary, the available evidence is currently insufficient to determine the role of this variant in disease. Therefore, it has been classified as a Variant of Uncertain Significance.

NM_182972.3(IRF2BP2):c.40C>T (p.Gln14Ter)

Gene: IRF2BP2 (interferon regulatory factor 2 binding protein 2; minus strand). Cytogenetic location: 1q42.3.
Variant type: single nucleotide variant.
Coding change: c.40C>T on transcript NM_182972.3 (MANE Select); coding-DNA position 40, C replaced by T.
Protein change: p.Gln14Ter; replaces glutamine 14 with a stop codon.
Molecular consequence: nonsense.
Genome position (GRCh38, 1-based): chr1:234,609,455, G>A on the plus strand (C>T on the coding strand, the complement: IRF2BP2 is on the minus strand). VCF-style: chr1-234609455-G-A. GRCh37 (hg19) VCF-style: chr1-234745201-G-A.
Other names: c.40C>T, p.Gln14Ter (NM_001077397.1); short protein forms Q14*.
Identifiers: ClinVar variation 4696935 (VCV004696935.1).